The following is an entry in ClinVar:

NM_001386140.1(MTTP):c.1352_1355del (p.Val451fs)

Gene: MTTP (microsomal triglyceride transfer protein; plus strand). Cytogenetic location: 4q23.
Variant type: Deletion.
Coding change: c.1352_1355del on transcript NM_001386140.1 (MANE Select); coding-DNA positions 1352 to 1355, 4 bases deleted (TGGA; older notation c.1352_1355delTGGA).
Protein change: p.Val451fs; shifts the reading frame from valine 451.
Molecular consequence: frameshift variant.
Genome position (GRCh38, 1-based): chr4:99,606,755-99,606,758, TGGA deleted. VCF-style (leftmost placement, unchanged base first): chr4-99606754-GTGGA-G. GRCh37 (hg19) VCF-style: chr4-100527911-GTGGA-G.
Other names: c.1352_1355del, p.Val451fs (NM_000253.4); c.1103_1106del, p.Val368fs (NM_001300785.2); c.1352_1355del (NM_000253.3); short protein forms V368fs, V451fs.
Identifiers: ClinVar variation 1069126 (VCV001069126.6), dbSNP rs2110228616, ClinGen allele CA2499217360.

ClinVar aggregate classification (germline): Pathogenic/Likely pathogenic. Review status: criteria provided, multiple submitters, no conflicts (2 of 4 stars). 2 submissions from 2 submitters: Pathogenic (1); Likely pathogenic (1). Last evaluated 2025-06-12.

Conditions:
Abetalipoproteinaemia (ABL). Also called: MTP DEFICIENCY; Abetalipoproteinemia; Abetalipoproteinemia neuropathy; Apolipoprotein B deficiency; Congenital betalipoprotein deficiency syndrome. Identifiers: Orphanet 14, MedGen C0000744, MONDO:0008692, OMIM 200100, HP:0008181.

Submissions (2):

Natera, Inc.
Classification: Likely pathogenic for Abetalipoproteinemia. Last evaluated: 2025-06-12. Review status: criteria provided, single submitter. Criteria: Natera Variant Classification Schema (03/2026). Collection method: clinical testing. Allele origin: germline.
Comment: The c.1352_1355del variant in MTTP is a frameshift variant predicted to shift the reading frame beginning at codon 451 and leads to a stop codon 5 codons downstream. This variant is expected to result in nonsense mediated decay, truncation, or a dysfunctional protein product. This variant is rare in the general population with a frequency below the threshold expected for the associated phenotype(s). Given the available evidence, this variant is classified as Likely Pathogenic.

Labcorp Genetics (formerly Invitae), Labcorp
Classification: Pathogenic. Last evaluated: 2020-08-23. Review status: criteria provided, single submitter. Criteria: Invitae Variant Classification Sherloc (09022015). Collection method: clinical testing. Allele origin: germline.
Comment: For these reasons, this variant has been classified as Pathogenic. Loss-of-function variants in MTTP are known to be pathogenic (PMID: 8533758, 9671739). This variant has not been reported in the literature in individuals with MTTP-related conditions. This variant is not present in population databases (ExAC no frequency). This sequence change creates a premature translational stop signal (p.Val451Glufs*5) in the MTTP gene. It is expected to result in an absent or disrupted protein product.

Literature cited by the submitters: PubMed 8533758 (cited by Labcorp Genetics (formerly Invitae), Labcorp); PubMed 9671739 (cited by Labcorp Genetics (formerly Invitae), Labcorp).